The following is an entry in ClinVar:

NM_006031.6(PCNT):c.5720A>G (p.Gln1907Arg)

Gene: PCNT (pericentrin; plus strand). Cytogenetic location: 21q22.3.
Variant type: single nucleotide variant.
Coding change: c.5720A>G on transcript NM_006031.6 (MANE Select); coding-DNA position 5720, A replaced by G.
Protein change: p.Gln1907Arg; replaces glutamine 1907 with arginine.
Molecular consequence: missense variant.
Genome position (GRCh38, 1-based): chr21:46,411,793, A>G. VCF-style: chr21-46411793-A-G. GRCh37 (hg19) VCF-style: chr21-47831707-A-G.
Other names: c.5366A>G, p.Gln1789Arg (NM_001315529.2); short protein forms Q1907R, Q1789R.
Identifiers: ClinVar variation 2784347 (VCV002784347.3), dbSNP rs2086794300, ClinGen allele CA410556285.
Genomic context (GRCh38, chr21:46,411,793, plus strand): 5'-ACTCTGCCGAGCTGGAGGCCGTCCTGTTGGCCTTGGCCCGCATCCGCCGCGCCCTGGAGC[A>G]GCAGCCCCTGGCAGCCGGGGCGGCGCCTCCCGAGCTGCAGTGGCTCCGAGCGCAGTGTGC-3'
Protein context (NP_006022.3, residues 1897-1917): ALARIRRALE[Gln1907Arg]QPLAAGAAPP

ClinVar aggregate classification (germline): Uncertain significance (1 of 4 stars; one submission).

Allele frequency attached by ClinVar (database versions not stated): gnomAD 0.00001.
gnomAD v4.1: 1 of 1,599,672 alleles (0.000063%); highest among the groups gnomAD compares: Admixed American, 0.0017%; no homozygotes.

Submission:

Labcorp Genetics (formerly Invitae), Labcorp
Classification: Uncertain significance. Last evaluated: 2023-10-20. Review status: criteria provided, single submitter. Criteria: Invitae Variant Classification Sherloc (09022015). Collection method: clinical testing. Allele origin: germline.
Comment: This sequence change replaces glutamine, which is neutral and polar, with arginine, which is basic and polar, at codon 1907 of the PCNT protein (p.Gln1907Arg). This variant is not present in population databases (gnomAD no frequency). This variant has not been reported in the literature in individuals affected with PCNT-related conditions. Algorithms developed to predict the effect of missense changes on protein structure and function output the following: SIFT: "Not Available"; PolyPhen-2: "Benign"; Align-GVGD: "Not Available". The arginine amino acid residue is found in multiple mammalian species, which suggests that this missense change does not adversely affect protein function. In summary, the available evidence is currently insufficient to determine the role of this variant in disease. Therefore, it has been classified as a Variant of Uncertain Significance.